The following is an entry in ClinVar:

NM_000257.4(MYH7):c.3013C>G (p.Gln1005Glu)

Gene: MYH7 (myosin heavy chain 7; minus strand). Cytogenetic location: 14q11.2.
Variant type: single nucleotide variant.
Coding change: c.3013C>G on transcript NM_000257.4 (MANE Select); coding-DNA position 3013, C replaced by G.
Protein change: p.Gln1005Glu; replaces glutamine 1005 with glutamic acid.
Molecular consequence: missense variant.
Genome position (GRCh38, 1-based): chr14:23,423,633, G>C on the plus strand (C>G on the coding strand, the complement: MYH7 is on the minus strand). VCF-style: chr14-23423633-G-C. GRCh37 (hg19) VCF-style: chr14-23892842-G-C.
Other names: short protein forms Q1005E.
Identifiers: ClinVar variation 1462306 (VCV001462306.13), dbSNP rs1892572355, ClinGen allele CA389045900.

ClinVar aggregate classification (germline): Uncertain significance. Review status: criteria provided, multiple submitters, no conflicts (2 of 4 stars). 5 submissions from 5 submitters: Uncertain significance (5). Last evaluated 2025-07-01.

Conditions:
Cardiovascular phenotype. Identifiers: MedGen CN230736.
Myosin storage myopathy (CMYO7A). Also called: SCAPULOPERONEAL MUSCULAR DYSTROPHY; SCAPULOPERONEAL SYNDROME, MYOPATHIC TYPE; MYOPATHY WITH LYSIS OF TYPE I MYOFIBRILS; MYOPATHY, HYALINE BODY, AUTOSOMAL DOMINANT; Scapuloperoneal myopathy, MYH7-related; MYH7-related late-onset scapuloperoneal muscular dystrophy. Identifiers: Orphanet 437572, Orphanet 636965, MedGen C1842160, MONDO:0008409, OMIM 608358.
Congenital myopathy with fiber type disproportion. Also called: Congenital fiber-type disproportion; Congenital fiber-type disproportion myopathy. Identifiers: Orphanet 2020, MedGen C0546264, MONDO:0009711. Inheritance: all.
Hypertrophic cardiomyopathy 1 (CMH1). Also called: Familial hypertrophic cardiomyopathy 1; MYH7-Related Familial Hypertrophic Cardiomyopathy. Identifiers: MedGen C3495498, MONDO:0008647, OMIM 192600.
Dilated cardiomyopathy 1S (CMD1S). Identifiers: Orphanet 154, Orphanet 54260, MedGen C1834481, MONDO:0013262, OMIM 613426.
MYH7-related skeletal myopathy. Also called: Myopathy, distal, 1; Laing early-onset distal myopathy; MYOPATHY, DISTAL, EARLY-ONSET, AUTOSOMAL DOMINANT; MYOPATHY, LATE DISTAL HEREDITARY; Laing distal myopathy. Identifiers: Orphanet 59135, MedGen C4552004, MONDO:0008050, OMIM 160500.
Myopathy, myosin storage, autosomal recessive (CMYO7B). Also called: CONGENITAL MYOPATHY 7B, MYOSIN STORAGE, AUTOSOMAL RECESSIVE. Identifiers: Orphanet 636970, MedGen C1850709, MONDO:0009708, OMIM 255160.
Cardiomyopathy (CMYO). Also called: Cardiomyopathies. Identifiers: Orphanet 167848, MedGen C0878544, MONDO:0004994, HP:0001638. Inheritance: Various modes of inheritance.
Hypertrophic cardiomyopathy. Also called: HYPERTROPHIC MYOCARDIOPATHY. Identifiers: Orphanet 217569, MedGen C0007194, MeSH D002312, MONDO:0005045, HP:0001639.

Allele frequency attached by ClinVar (database versions not stated): gnomAD exomes below 0.00001.

Submissions (5):

Color Diagnostics, LLC DBA Color Health
Classification: Uncertain significance for Cardiomyopathy. Last evaluated: 2025-07-01. Review status: criteria provided, single submitter. Criteria: ACMG Guidelines, 2015. Collection method: clinical testing. Allele origin: germline.
Comment: This missense variant replaces glutamine with glutamic acid at codon 1005 of the MYH7 protein. Computational prediction is inconclusive regarding the impact of this variant on protein structure and function. To our knowledge, functional studies have not been reported for this variant. This variant has not been reported in individuals affected with MYH7-related disorders in the literature. This variant has not been identified in the general population by the Genome Aggregation Database (gnomAD). The available evidence is insufficient to determine the role of this variant in disease conclusively. Therefore, this variant is classified as a Variant of Uncertain Significance.

Labcorp Genetics (formerly Invitae), Labcorp
Classification: Uncertain significance for Hypertrophic cardiomyopathy. Last evaluated: 2025-05-05. Review status: criteria provided, single submitter. Criteria: Invitae Variant Classification Sherloc (09022015). Collection method: clinical testing. Allele origin: germline.
Comment: This sequence change replaces glutamine, which is neutral and polar, with glutamic acid, which is acidic and polar, at codon 1005 of the MYH7 protein (p.Gln1005Glu). This variant is not present in population databases (gnomAD no frequency). This variant has not been reported in the literature in individuals affected with MYH7-related conditions. ClinVar contains an entry for this variant (Variation ID: 1462306). Invitae Evidence Modeling of protein sequence and biophysical properties (such as structural, functional, and spatial information, amino acid conservation, physicochemical variation, residue mobility, and thermodynamic stability) indicates that this missense variant is expected to disrupt MYH7 protein function with a positive predictive value of 95%. In summary, the available evidence is currently insufficient to determine the role of this variant in disease. Therefore, it has been classified as a Variant of Uncertain Significance.

All of Us Research Program, National Institutes of Health
Classification: Uncertain significance for Cardiomyopathy. Last evaluated: 2023-11-30. Review status: criteria provided, single submitter. Criteria: ACMG Guidelines, 2015. Collection method: clinical testing. Allele origin: germline. Inheritance: Autosomal dominant inheritance. Observed: 2 variant alleles, 2 heterozygotes.
Comment: This missense variant replaces glutamine with glutamic acid at codon 1005 of the MYH7 protein. Computational prediction is inconclusive regarding the impact of this variant on protein structure and function (internally defined REVEL score threshold 0.5 < inconclusive < 0.7, PMID: 27666373). To our knowledge, functional studies have not been reported for this variant. This variant has not been reported in individuals affected with MYH7-related disorders in the literature. This variant has not been identified in the general population by the Genome Aggregation Database (gnomAD). The available evidence is insufficient to determine the role of this variant in disease conclusively. Therefore, this variant is classified as a Variant of Uncertain Significance.

This study involves interpretation of variants in research participants for the purpose of population health screening. Participant phenotype was not available at the time of variant classification. Additional details can be found in publication PMID: 35346344, PMCID: PMC8962531

Ambry Genetics
Classification: Uncertain significance for Cardiovascular phenotype. Last evaluated: 2022-06-16. Review status: criteria provided, single submitter. Criteria: Ambry Variant Classification Scheme 2023. Collection method: clinical testing. Allele origin: germline.
Comment: The p.Q1005E variant (also known as c.3013C>G), located in coding exon 22 of the MYH7 gene, results from a C to G substitution at nucleotide position 3013. The glutamine at codon 1005 is replaced by glutamic acid, an amino acid with highly similar properties. This amino acid position is highly conserved in available vertebrate species. In addition, the in silico prediction for this alteration is inconclusive. Since supporting evidence is limited at this time, the clinical significance of this alteration remains unclear.

Fulgent Genetics
Classification: Uncertain significance for MYH7-related skeletal myopathy; Myosin storage myopathy; Hypertrophic cardiomyopathy 1; Myopathy, myosin storage, autosomal recessive; Congenital myopathy 4A, autosomal dominant; Dilated cardiomyopathy 1S. Last evaluated: 2021-08-13. Review status: criteria provided, single submitter. Criteria: ACMG Guidelines, 2015. Collection method: clinical testing. Allele origin: unknown.